The following is an entry in ClinVar:

ClinVar aggregate classification (germline): Uncertain significance (1 of 4 stars; one submission).

Allele frequency attached by ClinVar (database versions not stated): ExAC 0.00001; gnomAD exomes 0.00001.
gnomAD v4.1: 6 of 1,613,872 alleles (0.00037%); highest among the groups gnomAD compares: African/African-American, 0.0027%; no homozygotes.

Submission:

Labcorp Genetics (formerly Invitae), Labcorp
Classification: Uncertain significance. Last evaluated: 2022-07-18. Review status: criteria provided, single submitter. Criteria: Invitae Variant Classification Sherloc (09022015). Collection method: clinical testing. Allele origin: germline.
Comment: This sequence change replaces arginine, which is basic and polar, with histidine, which is basic and polar, at codon 979 of the EFL1 protein (p.Arg979His). This variant is present in population databases (rs764747178, gnomAD 0.007%). This variant has not been reported in the literature in individuals affected with EFL1-related conditions. ClinVar contains an entry for this variant (Variation ID: 1475392). Algorithms developed to predict the effect of missense changes on protein structure and function (SIFT, PolyPhen-2, Align-GVGD) all suggest that this variant is likely to be disruptive. In summary, the available evidence is currently insufficient to determine the role of this variant in disease. Therefore, it has been classified as a Variant of Uncertain Significance.

NM_024580.6(EFL1):c.2936G>A (p.Arg979His)

Gene: EFL1 (elongation factor like GTPase 1; minus strand). Cytogenetic location: 15q25.2.
Variant type: single nucleotide variant.
Coding change: c.2936G>A on transcript NM_024580.6 (MANE Select); coding-DNA position 2936, G replaced by A.
Protein change: p.Arg979His; replaces arginine 979 with histidine.
Molecular consequence: missense variant. On other transcripts: non-coding transcript variant (1).
Genome position (GRCh38, 1-based): chr15:82,151,518, C>T on the plus strand (G>A on the coding strand, the complement: EFL1 is on the minus strand). VCF-style: chr15-82151518-C-T. GRCh37 (hg19) VCF-style: chr15-82443859-C-T.
Other names: c.2783G>A, p.Arg928His (NM_001040610.3); c.2147G>A, p.Arg716His (NM_001322844.2); c.2936G>A, p.Arg979His (NM_001322845.2); short protein forms R716H, R928H, R979H.
Identifiers: ClinVar variation 1475392 (VCV001475392.5), dbSNP rs764747178, ClinGen allele CA7697677.